The following is an entry in ClinVar:

ClinVar aggregate classification (germline): Pathogenic. Review status: criteria provided, single submitter (1 of 4 stars). 2 submissions from 2 submitters: Pathogenic (1). 1 of the submissions does not count toward it. Last evaluated 2020-07-30.

Conditions:
Retinal dystrophy. Also called: Inherited retinal dystrophy. Identifiers: Orphanet 71862, MedGen C0854723, MeSH D058499, MONDO:0019118, HP:0000556.

gnomAD v4.1: 1 of 1,614,148 alleles (0.000062%); highest among the groups gnomAD compares: Non-Finnish European, 0.000085%; no homozygotes.

Submissions (2):

Labcorp Genetics (formerly Invitae), Labcorp
Classification: Pathogenic. Last evaluated: 2020-07-30. Review status: criteria provided, single submitter. Criteria: Invitae Variant Classification Sherloc (09022015). Collection method: clinical testing. Allele origin: germline.
Comment: For these reasons, this variant has been classified as Pathogenic. Loss-of-function variants in ABCA4 are known to be pathogenic (PMID: 10958761, 24938718, 25312043, 26780318). This variant has been observed in individual(s) with cone rod dystrophy (PMID: 28041643). ClinVar contains an entry for this variant (Variation ID: 438107). This variant is not present in population databases (ExAC no frequency). This sequence change creates a premature translational stop signal (p.Gln238*) in the ABCA4 gene. It is expected to result in an absent or disrupted protein product.

NIHR Bioresource Rare Diseases, University of Cambridge
Classification: Likely pathogenic for Retinal dystrophy. Last evaluated: 2015-01-01. Review status: no assertion criteria provided. Collection method: research. Allele origin: unknown. Affected: yes. Observed: 1 variant allele. Not counted in ClinVar's aggregate classification.

Literature cited by the submitters: PubMed 10958761 (cited by Labcorp Genetics (formerly Invitae), Labcorp); PubMed 24938718 (cited by Labcorp Genetics (formerly Invitae), Labcorp); PubMed 25312043 (cited by Labcorp Genetics (formerly Invitae), Labcorp); PubMed 26780318 (cited by Labcorp Genetics (formerly Invitae), Labcorp); PubMed 28041643 (cited by Labcorp Genetics (formerly Invitae), Labcorp and NIHR Bioresource Rare Diseases, University of Cambridge).

NM_000350.3(ABCA4):c.712C>T (p.Gln238Ter)

Gene: ABCA4 (ATP binding cassette subfamily A member 4; minus strand). Cytogenetic location: 1p22.1.
Variant type: single nucleotide variant.
Coding change: c.712C>T on transcript NM_000350.3 (MANE Select); coding-DNA position 712, C replaced by T.
Protein change: p.Gln238Ter; replaces glutamine 238 with a stop codon.
Molecular consequence: nonsense.
Genome position (GRCh38, 1-based): chr1:94,098,850, G>A on the plus strand (C>T on the coding strand, the complement: ABCA4 is on the minus strand). VCF-style: chr1-94098850-G-A. GRCh37 (hg19) VCF-style: chr1-94564406-G-A.
Other names: c.712C>T, p.Gln238Ter (NM_001425324.1); short protein forms Q238*.
Identifiers: ClinVar variation 438107 (VCV000438107.11), dbSNP rs1356104318, ClinGen allele CA341289200.
Genomic context (GRCh38, chr1:94,098,850, plus strand): 5'-TTACCACACGGAAGAGCTTGAAGAAGTCCACGTTGGCATACAGAGTGTCTTCTATCCACT[G>A]TAGGGTGCCCTGGGAGAGGGAGCACAGGGCATAGCGCACCGTCTTTGCCCCGCGTCTCTG-3'